The following is an entry in ClinVar:

NM_000038.6(APC):c.1912A>T (p.Ile638Leu)

Gene: APC (APC regulator of WNT signaling pathway; plus strand). Cytogenetic location: 5q22.2.
Variant type: single nucleotide variant.
Coding change: c.1912A>T on transcript NM_000038.6 (MANE Select); coding-DNA position 1912, A replaced by T.
Protein change: p.Ile638Leu; replaces isoleucine 638 with leucine.
Molecular consequence: missense variant.
Genome position (GRCh38, 1-based): chr5:112,835,119, A>T. VCF-style: chr5-112835119-A-T. GRCh37 (hg19) VCF-style: chr5-112170816-A-T.
Other names: c.1912A>T, p.Ile638Leu (NM_001127510.3, NM_001354895.2); c.1858A>T, p.Ile620Leu (NM_001127511.3); c.1966A>T, p.Ile656Leu (NM_001354896.2); c.1942A>T, p.Ile648Leu (NM_001354897.2); c.1837A>T, p.Ile613Leu (NM_001354898.2); c.1828A>T, p.Ile610Leu (NM_001354899.2); c.1789A>T, p.Ile597Leu (NM_001354900.2); c.1735A>T, p.Ile579Leu (NM_001354901.2); and 5 more; short protein forms I638L, I620L, I512L, I537L, I547L, I656L, I613L, I355L.
Identifiers: ClinVar variation 127279 (VCV000127279.2), dbSNP rs75117039, ClinGen allele CA006331.

ClinVar aggregate classification (germline): Uncertain significance (1 of 4 stars; one submission).

Submission:

GeneDx
Classification: Uncertain significance. Last evaluated: 2014-03-04. Review status: criteria provided, single submitter. Criteria: GeneDx Variant Classification (06012015). Collection method: clinical testing. Allele origin: germline. Affected: yes.
Comment: Non-conservative amino acid substitution at a position that is conserved across species and is not located in a known functional domain; In silico analyses are inconsistent regarding the effect this variant may have on protein structure and function; Not published in the literature as either a mutation or a benign polymorphism but a different missense variant at the same position, STK11 Pro324Leu has been reported in the literature as a variant of UNCERTAIN significance. The variant is found in COLO-HEREDIC panel(s).